The following continues an entry in ClinVar:

NM_000492.4(CFTR):c.1393-1G>A

ClinVar aggregate classification (germline): Pathogenic. Pathogenic (1).

Submissions 14 to 20 of 20:

Women's Health and Genetics/Laboratory Corporation of America, LabCorp
Classification: Pathogenic for Cystic fibrosis. Last evaluated: 2017-03-30. Review status: criteria provided, single submitter. Criteria: LabCorp Variant Classification Summary - May 2015. Collection method: clinical testing. Allele origin: germline. Not counted in ClinVar's aggregate classification.
Comment: Variant summary: The c.1393-1G>A in CFTR gene is a splice-site variant that alters a highly conserved nucleotide. 5/5 in silico tools via Alamut predict this variant to disrupt a canonical splicing acceptor sequence, although these predictions are yet to be confirmed by the functional studies. The variant is present in control dataset of ExAC at a low frequency of 0.000049 (6/121108 chrs tested) which does not exceed the estimated maximum allele frequency for a pathogenic allele in this gene (0.0129). This variant appears to be very common in Palestina (Siryani, 2015). The variant was found homozygously or in compound heterozygosity in multiple affected individuals with established dx of CF. Patients, homozygous for the variant of interest, presented with elevated sweat Cl- (ranging from 110 to 148 mmol/L) and PI. Lastly, multiple reputable databases/diagnostic centers classified the variant of interest as Pathogenic. Taken together, the variant was classified as Pathogenic.

ARUP Laboratories, Molecular Genetics and Genomics, ARUP Laboratories
Classification: Pathogenic. Last evaluated: 2017-03-15. Review status: criteria provided, single submitter. Criteria: ARUP Molecular Germline Variant Investigation Process. Collection method: clinical testing. Allele origin: germline. Not counted in ClinVar's aggregate classification.

Laboratory for Molecular Medicine, Mass General Brigham Personalized Medicine
Classification: Pathogenic for Cystic fibrosis. Last evaluated: 2013-10-18. Review status: criteria provided, single submitter. Criteria: LMM Criteria. Collection method: clinical testing. Allele origin: germline. Inheritance: Autosomal recessive inheritance. Observed: 1 variant allele. Not counted in ClinVar's aggregate classification.
Comment: The 1393-1G>A variant in CFTR causes cystic fibrosis when combined with another CF-causing variant. It has been previously identified in 2 homozygous and 3 comp ound heterozygous individuals with cystic fibrosis and was found to segregate wi th disease in 1 family member (Dork 1993, Ramalho 2003, Wahab 2004, Ashavaid 200 5, Nikolic 2013). It has not been identified in large population studies. This v ariant occurs in the invariant region (+/- 1,2) of the splice consensus sequence and is predicted to cause altered splicing leading to an abnormal or absent pro tein (Ramalho 2003). In summary, this variant meets our criteria to be classifie d as pathogenic based upon segregation studies, absence from controls, and functional evidence.

Arcensus
Classification: Pathogenic for Cystic fibrosis. Last evaluated: 2013-02-01. Review status: criteria provided, single submitter. Criteria: ACMG Guidelines, 2015. Collection method: clinical testing. Allele origin: germline. Affected: yes. Not counted in ClinVar's aggregate classification.

Baylor Genetics
Classification: Pathogenic for Congenital bilateral aplasia of vas deferens from CFTR mutation; Cystic fibrosis. Review status: criteria provided, single submitter. Criteria: ACMG Guidelines, 2015. Collection method: clinical testing. Allele origin: germline. Not counted in ClinVar's aggregate classification.

PreventionGenetics, part of Exact Sciences
Classification: Pathogenic for CFTR-related condition. Last evaluated: 2023-12-30. Review status: no assertion criteria provided. Collection method: clinical testing. Allele origin: germline. Not counted in ClinVar's aggregate classification.
Comment: The CFTR c.1393-1G>A variant is predicted to disrupt the AG splice acceptor site and interfere with normal splicing. This variant, previously described as c.1525-1G>A using legacy nomenclature, has been reported to be causative for cystic fibrosis (Castellani et al. 2008. PubMed ID: 18456578; Supplemental table 2, Sosnay et al. 2013. PubMed ID: 23974870). The c.1393-1G>A variant has also been reported in patient with idiopathic chronic pancreatitis who had a corresponding pathogenic variant in the SPINK1 gene (Supplemental table 1, Midha et al. 2010. PubMed ID: 20551465). This variant is reported in 0.026% of alleles in individuals of South Asian descent in gnomAD. Variants that disrupt the consensus splice acceptor site in CFTR are expected to be pathogenic. This variant is interpreted as pathogenic.

Dr.Nikuei Genetic Center
Classification: Pathogenic for Cystic fibrosis. Review status: no assertion criteria provided. Collection method: clinical testing. Allele origin: germline. Affected: yes. Not counted in ClinVar's aggregate classification.

Literature cited by the submitters: PubMed 9482579 (cited by 3 submitters); PubMed 12843337 (cited by 5 submitters); PubMed 15088804 (cited by 3 submitters); PubMed 16137181 (cited by 3 submitters); PubMed 23933162 (cited by 4 submitters); PubMed 7682196 (cited by 4 submitters); PubMed 16199547 (cited by Labcorp Genetics (formerly Invitae), Labcorp); PubMed 1695717 (cited by Labcorp Genetics (formerly Invitae), Labcorp); PubMed 7691345 (cited by Labcorp Genetics (formerly Invitae), Labcorp); PubMed 9725922 (cited by Labcorp Genetics (formerly Invitae), Labcorp); PubMed 9239681 (cited by Labcorp Genetics (formerly Invitae), Labcorp); PubMed 15727251 (cited by Labcorp Genetics (formerly Invitae), Labcorp); PubMed 17662673 (cited by Labcorp Genetics (formerly Invitae), Labcorp); PubMed 18373402 (cited by Labcorp Genetics (formerly Invitae), Labcorp); PubMed 18782298 (cited by Labcorp Genetics (formerly Invitae), Labcorp and Women's Health and Genetics/Laboratory Corporation of America, LabCorp); PubMed 21198395 (cited by Labcorp Genetics (formerly Invitae), Labcorp); PubMed 21909392 (cited by Labcorp Genetics (formerly Invitae), Labcorp); PubMed 25688174 (cited by Labcorp Genetics (formerly Invitae), Labcorp and Quest Diagnostics Nichols Institute San Juan Capistrano); PubMed 26208274 (cited by Labcorp Genetics (formerly Invitae), Labcorp and Women's Health and Genetics/Laboratory Corporation of America, LabCorp); PubMed 26708955 (cited by Labcorp Genetics (formerly Invitae), Labcorp); PubMed 20551465 (cited by Quest Diagnostics Nichols Institute San Juan Capistrano); PubMed 23974870 (cited by Quest Diagnostics Nichols Institute San Juan Capistrano); PubMed 25525159 (cited by Quest Diagnostics Nichols Institute San Juan Capistrano); PubMed 16436643 (cited by Women's Health and Genetics/Laboratory Corporation of America, LabCorp); PubMed 9003508 (cited by Women's Health and Genetics/Laboratory Corporation of America, LabCorp); PubMed 7573058 (cited by Women's Health and Genetics/Laboratory Corporation of America, LabCorp); PubMed 12007216 (cited by Women's Health and Genetics/Laboratory Corporation of America, LabCorp).